The following is an entry in ClinVar:

ClinVar aggregate classification (germline): Uncertain significance (1 of 4 stars; one submission).

gnomAD v4.1: 1 of 1,613,902 alleles (0.000062%); no homozygotes.

Submission:

Labcorp Genetics (formerly Invitae), Labcorp
Classification: Uncertain significance. Last evaluated: 2024-02-24. Review status: criteria provided, single submitter. Criteria: Invitae Variant Classification Sherloc (09022015). Collection method: clinical testing. Allele origin: germline.
Comment: This sequence change replaces glycine, which is neutral and non-polar, with valine, which is neutral and non-polar, at codon 121 of the RARS2 protein (p.Gly121Val). This variant is not present in population databases (gnomAD no frequency). This variant has not been reported in the literature in individuals affected with RARS2-related conditions. ClinVar contains an entry for this variant (Variation ID: 2047853). Advanced modeling of protein sequence and biophysical properties (such as structural, functional, and spatial information, amino acid conservation, physicochemical variation, residue mobility, and thermodynamic stability) performed at Invitae indicates that this missense variant is not expected to disrupt RARS2 protein function with a negative predictive value of 80%. In summary, the available evidence is currently insufficient to determine the role of this variant in disease. Therefore, it has been classified as a Variant of Uncertain Significance.

NM_020320.5(RARS2):c.362G>T (p.Gly121Val)

Gene: RARS2 (arginyl-tRNA synthetase 2, mitochondrial; minus strand). Cytogenetic location: 6q15.
Variant type: single nucleotide variant.
Coding change: c.362G>T on transcript NM_020320.5 (MANE Select); coding-DNA position 362, G replaced by T.
Protein change: p.Gly121Val; replaces glycine 121 with valine.
Molecular consequence: missense variant. On other transcripts: 5 prime UTR variant (7), non-coding transcript variant (23).
Genome position (GRCh38, 1-based): chr6:87,555,441, C>A on the plus strand (G>T on the coding strand, the complement: RARS2 is on the minus strand). VCF-style: chr6-87555441-C-A. GRCh37 (hg19) VCF-style: chr6-88265159-C-A.
Other names: c.-108G>T (NM_001318785.2, NM_001350509.2); c.362G>T, p.Gly121Val (NM_001350505.2); c.-164G>T (NM_001350506.2, NM_001350507.2, NM_001350510.2 and 1 more transcripts); c.-326G>T (NM_001350508.2); short protein forms G121V.
Identifiers: ClinVar variation 2047853 (VCV002047853.4), dbSNP rs1359188497, ClinGen allele CA364936891.